The following is an entry in ClinVar:

ClinVar aggregate classification (germline): Uncertain significance (1 of 4 stars; one submission).

Conditions:
Dilated cardiomyopathy 1O (CMD1O). Also called: CARDIOMYOPATHY, DILATED, WITH VENTRICULAR TACHYCARDIA. Identifiers: Orphanet 154, MedGen C1837839, MONDO:0012062, OMIM 608569.

Submission:

Labcorp Genetics (formerly Invitae), Labcorp
Classification: Uncertain significance for Dilated cardiomyopathy 1O. Last evaluated: 2025-07-02. Review status: criteria provided, single submitter. Criteria: Invitae Variant Classification Sherloc (09022015). Collection method: clinical testing. Allele origin: germline.
Comment: This sequence change affects the initiator codon of the ABCC9 mRNA. This change may impact translation initiation or efficiency. The next in-frame methionine is located at codon 106. This variant is not present in population databases (gnomAD no frequency). This variant has not been reported in the literature in individuals affected with ABCC9-related conditions. Experimental studies and prediction algorithms are not available or were not evaluated, and the functional significance of this variant is currently unknown. In summary, the available evidence is currently insufficient to determine the role of this variant in disease. Therefore, it has been classified as a Variant of Uncertain Significance.

NM_020297.4(ABCC9):c.2T>C (p.Met1Thr)

Gene: ABCC9 (ATP binding cassette subfamily C member 9; minus strand). Cytogenetic location: 12p12.1.
Variant type: single nucleotide variant.
Coding change: c.2T>C on transcript NM_020297.4 (MANE Select); coding-DNA position 2, T replaced by C.
Protein change: p.Met1Thr; changes the start codon (methionine 1).
Molecular consequence: missense variant, initiator codon variant. On other transcripts: 5 prime UTR variant (1).
Genome position (GRCh38, 1-based): chr12:21,936,673, A>G on the plus strand (T>C on the coding strand, the complement: ABCC9 is on the minus strand). VCF-style: chr12-21936673-A-G. GRCh37 (hg19) VCF-style: chr12-22089607-A-G.
Other names: c.2T>C, p.Met1Thr (NM_001377273.1, NM_005691.4); c.-453T>C (NM_001377274.1); short protein forms M1T.
Identifiers: ClinVar variation 4722504 (VCV004722504.1).